The following is an entry in ClinVar:

NM_000094.4(COL7A1):c.5720_5721delinsAT (p.Gly1907Asp)

Gene: COL7A1 (collagen type VII alpha 1 chain; minus strand). Cytogenetic location: 3p21.31.
Variant type: Indel.
Coding change: c.5720_5721delinsAT on transcript NM_000094.4 (MANE Select); coding-DNA positions 5720 to 5721, GA replaced by AT.
Protein change: p.Gly1907Asp; replaces glycine 1907 with aspartic acid.
Molecular consequence: missense variant.
Genome position (GRCh38, 1-based): chr3:48,576,537-48,576,538, TC replaced by AT on the plus strand (GA replaced by AT on the coding strand, the reverse complement: COL7A1 is on the minus strand). VCF-style: chr3-48576537-TC-AT. GRCh37 (hg19) VCF-style: chr3-48613970-TC-AT.
Other names: c.5720_5721delGAinsAT (NM_000094.3); short protein forms G1907D.
Identifiers: ClinVar variation 372342 (VCV000372342.12), dbSNP rs1057517725, ClinGen allele CA16042529.
Genomic context (GRCh38, chr3:48,576,537, plus strand): 5'-TGGTCAGCCCCCTCACCACGCCCCCTACCCAACATCCGCACTCACCTTGGGGCCCGTGCC[TC>AT]CTGGGACACCAGGAAAACCCTGAGATACGGCAGAACACAAAGGGGTCACAAAGGCCCATG-3'
Protein context (NP_000085.1, residues 1897-1917): PPGQGFPGVP[Gly1907Asp]GTGPKGDRGE

ClinVar aggregate classification (germline): Pathogenic. Review status: criteria provided, multiple submitters, no conflicts (2 of 4 stars). 4 submissions from 4 submitters: Pathogenic (4). Last evaluated 2025-08-20.

Conditions:
Epidermolysis bullosa dystrophica. Also called: Dystrophic epidermolysis bullosa, Hallopeau-Siemens type (formerly); Dystrophic epidermolysis bullosa. Identifiers: Orphanet 303, MedGen C0079294, MONDO:0006543.
Dominant dystrophic epidermolysis bullosa with absence of skin. Also called: EPIDERMOLYSIS BULLOSA DYSTROPHICA, BART TYPE; EPIDERMOLYSIS BULLOSA WITH CONGENITAL LOCALIZED ABSENCE OF SKIN AND DEFORMITY OF NAILS. Identifiers: MedGen C0268371, MONDO:0007557, OMIM 132000.
Transient bullous dermolysis of the newborn (TBDN). Also called: DYSTROPHIC EPIDERMOLYSIS BULLOSA, NEONATAL; EPIDERMOLYSIS BULLOSA DYSTROPHICA, NEONATAL FORM. Identifiers: Orphanet 79411, MedGen C1851573, MONDO:0007548, OMIM 131705.
Pretibial dystrophic epidermolysis bullosa. Also called: Pretibial blistering; Pretibial epidermolysis bullosa; EPIDERMOLYSIS BULLOSA DYSTROPHICA, PRETIBIAL. Identifiers: Orphanet 79410, MedGen C0432321, MONDO:0007552, OMIM 131850, HP:0012221.
Recessive dystrophic epidermolysis bullosa (RDEB). Also called: DYSTROPHIC EPIDERMOLYSIS BULLOSA, AUTOSOMAL RECESSIVE; EPIDERMOLYSIS BULLOSA DYSTROPHICA, HALLOPEAU-SIEMENS TYPE; Hallopeau-Siemens Disease; EPIDERMOLYSIS BULLOSA DYSTROPHICA, GENERALIZED SEVERE, AUTOSOMAL RECESSIVE; epidermolysis bullosa dystrophica, autosomal recessive; severe generalized recessive dystrophic epidermolysis bullosa. Identifiers: Orphanet 79408, Orphanet 79409, MedGen C0079474, MONDO:0009179, OMIM 226600.
Epidermolysis bullosa pruriginosa. Also called: DEB, PRURIGINOSA; DYSTROPHIC EPIDERMOLYSIS BULLOSA PRURIGINOSA. Identifiers: Orphanet 89843, MedGen C1275114, MONDO:0011398, OMIM 604129.
Nonsyndromic congenital nail disorder 8. Also called: TOENAIL DYSTROPHY, ISOLATED. Identifiers: MedGen C1843761, MONDO:0011852, OMIM 607523.
Generalized dominant dystrophic epidermolysis bullosa (DDEB). Also called: DDEB, generalized; DDEB-gen; DYSTROPHIC EPIDERMOLYSIS BULLOSA, AUTOSOMAL DOMINANT; Epidermolysis bullosa dystrophica, autosomal dominant; Dominant DEB (DDEB). Identifiers: Orphanet 231568, MedGen C0432322, MONDO:0007549, OMIM 131750.

Submissions (4):

Labcorp Genetics (formerly Invitae), Labcorp
Classification: Pathogenic. Last evaluated: 2025-08-20. Review status: criteria provided, single submitter. Criteria: Invitae Variant Classification Sherloc (09022015). Collection method: clinical testing. Allele origin: germline.
Comment: This sequence change replaces glycine, which is neutral and non-polar, with aspartic acid, which is acidic and polar, at codon 1907 of the COL7A1 protein (p.Gly1907Asp). This variant is present in population databases (no rsID available, gnomAD 0.002%). This missense change has been observed in individual(s) with recessive dystrophic epidermolysis bullosa (PMID: 16971478, 20555349, 21448560). In at least one individual the data is consistent with being in trans (on the opposite chromosome) from a pathogenic variant. ClinVar contains an entry for this variant (Variation ID: 372342). Experimental studies and prediction algorithms are not available or were not evaluated, and the functional significance of this variant is currently unknown. This variant disrupts the triple helix domain of COL7A1. Glycine residues within the Gly-Xaa-Yaa repeats of the triple helix domain are required for the structure and stability of fibrillar collagens (PMID: 7695699, 8218237, 19344236), and variants at these glycine residues in COL7A1 are more frequently observed in individuals with disease than in the general population (PMID: 22058051). However, the clinical significance of this observation remains uncertain since only a limited number of affected individuals have been described to date. For these reasons, this variant has been classified as Pathogenic.

Natera, Inc.
Classification: Pathogenic for Dystrophic epidermolysis bullosa. Last evaluated: 2025-06-16. Review status: criteria provided, single submitter. Criteria: Natera Variant Classification Schema (03/2026). Collection method: clinical testing. Allele origin: germline.
Comment: The c.5720_5721delGAinsAT variant in COL7A1 is a deletion-insertion (delins) variant predicted to replace one or more nucleotides with a different sequence. This variant is rare in the general population with a frequency below the threshold expected for the associated phenotype(s). This variant has been observed in one or more individuals affected with the associated recessive disease, as either homozygous or compound heterozygous with a second variant (PMID: 20555349, 21113014, 34826142, 25703736, 24213372). Computational prediction algorithms indicate this variant is likely to affect gene or protein function. Given the available evidence, this variant is classified as Pathogenic.

GeneDx
Classification: Pathogenic. Last evaluated: 2022-04-26. Review status: criteria provided, single submitter. Criteria: GeneDx Variant Classification Process June 2021. Collection method: clinical testing. Allele origin: germline. Affected: yes.
Comment: Located in the highly conserved Gly-X-Y repeat of the collagenous domain; Glycine substitution variants in this region of the COLVII protein destabilize the collagen triple helix resulting in skin fragility due to poor anchoring of the basement membrane to the underlying dermis (Pfendner and Lucky, 2018); In silico analysis supports a deleterious effect on protein structure/function; This variant is associated with the following publications: (PMID: 21448560, 16971478, 20555349)

Fulgent Genetics
Classification: Pathogenic for Transient bullous dermolysis of the newborn; Generalized dominant dystrophic epidermolysis bullosa; Pretibial dystrophic epidermolysis bullosa; Dominant dystrophic epidermolysis bullosa with absence of skin; Recessive dystrophic epidermolysis bullosa; Epidermolysis bullosa pruriginosa; Nonsyndromic congenital nail disorder 8. Last evaluated: 2021-09-23. Review status: criteria provided, single submitter. Criteria: ACMG Guidelines, 2015. Collection method: clinical testing. Allele origin: unknown.

Literature cited by the submitters: PubMed 16971478 (cited by Labcorp Genetics (formerly Invitae), Labcorp); PubMed 20555349 (cited by Labcorp Genetics (formerly Invitae), Labcorp and Natera, Inc.); PubMed 21448560 (cited by Labcorp Genetics (formerly Invitae), Labcorp); PubMed 7695699 (cited by Labcorp Genetics (formerly Invitae), Labcorp); PubMed 8218237 (cited by Labcorp Genetics (formerly Invitae), Labcorp); PubMed 19344236 (cited by Labcorp Genetics (formerly Invitae), Labcorp); PubMed 22058051 (cited by Labcorp Genetics (formerly Invitae), Labcorp); PubMed 21113014 (cited by Natera, Inc.); PubMed 34826142 (cited by Natera, Inc.); PubMed 25703736 (cited by Natera, Inc.); PubMed 24213372 (cited by Natera, Inc.).